The following is an entry in ClinVar:

NM_012062.5(DNM1L):c.151C>T (p.Leu51Phe)

Gene: DNM1L (dynamin 1 like; plus strand). Cytogenetic location: 12p11.21.
Variant type: single nucleotide variant.
Coding change: c.151C>T on transcript NM_012062.5 (MANE Select); coding-DNA position 151, C replaced by T.
Protein change: p.Leu51Phe; replaces leucine 51 with phenylalanine.
Molecular consequence: missense variant. On other transcripts: 5 prime UTR variant (1).
Genome position (GRCh38, 1-based): chr12:32,701,463, C>T. VCF-style: chr12-32701463-C-T. GRCh37 (hg19) VCF-style: chr12-32854397-C-T.
Other names: c.151C>T, p.Leu51Phe (NM_001278463.2, NM_001278464.2, NM_001278465.2 and 3 more transcripts); c.-55C>T (NM_001278466.2); short protein forms L51F.
Identifiers: ClinVar variation 2694260 (VCV002694260.3), dbSNP rs2540980748, ClinGen allele CA384363219.
Genomic context (GRCh38, chr12:32,701,463, plus strand): 5'-TTCTGTTTTCAGAGCAGCGGAAAGAGCTCAGTGCTAGAAAGCCTGGTGGGGAGGGACCTG[C>T]TTCCCAGAGGTACTGGAATTGTCACCCGGAGACCTCTCATTCTGCAACTGGTCCATGTTT-3'
Protein context (NP_036192.2, residues 41-61): VLESLVGRDL[Leu51Phe]PRGTGIVTRR

ClinVar aggregate classification (germline): Uncertain significance (1 of 4 stars; one submission).

Submission:

Labcorp Genetics (formerly Invitae), Labcorp
Classification: Uncertain significance. Last evaluated: 2023-11-08. Review status: criteria provided, single submitter. Criteria: Invitae Variant Classification Sherloc (09022015). Collection method: clinical testing. Allele origin: germline.
Comment: This sequence change replaces leucine, which is neutral and non-polar, with phenylalanine, which is neutral and non-polar, at codon 51 of the DNM1L protein (p.Leu51Phe). This variant is not present in population databases (gnomAD no frequency). This variant has not been reported in the literature in individuals affected with DNM1L-related conditions. An algorithm developed to predict the effect of missense changes on protein structure and function (PolyPhen-2) suggests that this variant is likely to be disruptive. In summary, the available evidence is currently insufficient to determine the role of this variant in disease. Therefore, it has been classified as a Variant of Uncertain Significance.